The following is an entry in ClinVar:

ClinVar aggregate classification (germline): Benign/Likely benign. Review status: criteria provided, multiple submitters, no conflicts (2 of 4 stars). 3 submissions from 3 submitters: Benign (2); Likely benign (1). Last evaluated 2025-08-25.

Allele frequency attached by ClinVar (database versions not stated): gnomAD exomes 0.00003; gnomAD 0.00077; 1000 Genomes Project 30x 0.02639.

Submissions (3):

Athena Diagnostics
Classification: Benign. Last evaluated: 2025-08-25. Review status: criteria provided, single submitter. Criteria: Athena Diagnostics Criteria. Collection method: clinical testing. Allele origin: unknown.
Comment: Computational tools yielded predictions that this variant is unlikely to have an effect on normal RNA splicing. This nucleotide position exhibits low evolutionary conservation. This variant has been identified in at least one clinically healthy individual. This variant has been seen where an alternate explanation for disease was also identified.

Blueprint Genetics
Classification: Likely benign. Last evaluated: 2024-10-25. Review status: criteria provided, single submitter. Criteria: ACMG Guidelines, 2015. Collection method: clinical testing. Allele origin: germline.

PreventionGenetics, part of Exact Sciences
Classification: Benign. Review status: criteria provided, single submitter. Criteria: ACMG Guidelines, 2015. Collection method: clinical testing. Allele origin: germline.

Literature cited by the submitters: PubMed 16487445 (cited by Athena Diagnostics); PubMed 25227725 (cited by Athena Diagnostics); PubMed 9132494 (cited by Athena Diagnostics).

NM_000500.9(CYP21A2):c.1473G>A (p.Pro491=)

Genes: CYP21A2 (cytochrome P450 family 21 subfamily A member 2; plus strand), LOC106780800 (CYP21A2 recombination region; plus strand). Cytogenetic location: 6p21.33.
Variant type: single nucleotide variant.
Coding change: c.1473G>A on transcript NM_000500.9 (MANE Select); coding-DNA position 1473, G replaced by A.
Protein change: p.Pro491=; no amino-acid change (proline 491 retained).
Molecular consequence: synonymous variant.
Genome position (GRCh38, 1-based): chr6:32,041,119, G>A. VCF-style: chr6-32041119-G-A. GRCh37 (hg19) VCF-style: chr6-32008896-G-A.
Other names: c.1383G>A, p.Pro461= (NM_001128590.4); c.1068G>A, p.Pro356= (NM_001368143.2, NM_001368144.2).
Identifiers: ClinVar variation 256288 (VCV000256288.4), dbSNP rs6446, ClinGen allele CA10586937.